The following is an entry in ClinVar:

NM_000051.4(ATM):c.6943A>G (p.Met2315Val)

Genes: ATM (ATM serine/threonine kinase; plus strand), C11orf65 (chromosome 11 open reading frame 65; minus strand). Cytogenetic location: 11q22.3.
Variant type: single nucleotide variant.
Coding change: c.6943A>G on transcript NM_000051.4 (MANE Select); coding-DNA position 6943, A replaced by G.
Protein change: p.Met2315Val; replaces methionine 2315 with valine.
Molecular consequence: missense variant. On other transcripts: intron variant (2).
Genome position (GRCh38, 1-based): chr11:108,326,193, A>G. VCF-style: chr11-108326193-A-G. GRCh37 (hg19) VCF-style: chr11-108196920-A-G.
Other names: c.6943A>G, p.Met2315Val (NM_001351834.2); c.641-17122T>C (NM_001330368.2); c.*38+9027T>C (NM_001351110.2); short protein forms M2315V.
Identifiers: ClinVar variation 3572268 (VCV003572268.1).

ClinVar aggregate classification (germline): Uncertain significance. Review status: criteria provided, multiple submitters, no conflicts (2 of 4 stars). 2 submissions from 2 submitters: Uncertain significance (2). Last evaluated 2026-01-04.

Conditions:
Ataxia-telangiectasia syndrome (AT). Also called: LOUIS-BAR SYNDROME; Cerebello-oculocutaneous telangiectasia; Immunodeficiency with ataxia telangiectasia; ATAXIA-TELANGIECTASIA, COMPLEMENTATION GROUP A; ATAXIA-TELANGIECTASIA, FRESNO VARIANT; Ataxia-telangiectasia. Identifiers: Orphanet 100, MedGen C0004135, MONDO:0008840, OMIM 208900.

Submissions (2):

Labcorp Genetics (formerly Invitae), Labcorp
Classification: Uncertain significance for Ataxia-telangiectasia syndrome. Last evaluated: 2026-01-04. Review status: criteria provided, single submitter. Criteria: Invitae Variant Classification Sherloc (09022015). Collection method: clinical testing. Allele origin: germline.
Comment: This sequence change replaces methionine, which is neutral and non-polar, with valine, which is neutral and non-polar, at codon 2315 of the ATM protein (p.Met2315Val). This variant is not present in population databases (gnomAD no frequency). This variant has not been reported in the literature in individuals affected with ATM-related conditions. ClinVar contains an entry for this variant (Variation ID: 3572268). Invitae Evidence Modeling of protein sequence and biophysical properties (such as structural, functional, and spatial information, amino acid conservation, physicochemical variation, residue mobility, and thermodynamic stability) indicates that this missense variant is not expected to disrupt ATM protein function with a negative predictive value of 95%. In summary, the available evidence is currently insufficient to determine the role of this variant in disease. Therefore, it has been classified as a Variant of Uncertain Significance.

Quest Diagnostics Nichols Institute San Juan Capistrano
Classification: Uncertain significance. Last evaluated: 2024-04-16. Review status: criteria provided, single submitter. Criteria: Quest Diagnostics criteria. Collection method: clinical testing. Allele origin: unknown.